The following is an entry in ClinVar:

ClinVar aggregate classification (germline): Benign/Likely benign. Review status: criteria provided, multiple submitters, no conflicts (2 of 4 stars). 5 submissions from 5 submitters: Benign (1); Likely benign (4). Last evaluated 2026-02-02.

Conditions:
Hereditary cancer-predisposing syndrome. Also called: Hereditary neoplastic syndrome; Neoplastic Syndromes, Hereditary; Hereditary Cancer Syndrome; Tumor predisposition. Identifiers: Orphanet 140162, MedGen C0027672, MeSH D009386, MONDO:0015356.
Hereditary leiomyomatosis and renal cell cancer. Also called: Familial leiomyomatosis; LEIOMYOMA, MULTIPLE CUTANEOUS; FH tumor predisposition syndrome; MULTIPLE CUTANEOUS AND UTERINE LEIOMYOMATA 1, WITH OR WITHOUT RENAL CELL CARCINOMA; Reed syndrome; Multiple cutaneous and uterine leiomyomatosis. Identifiers: Orphanet 523, MedGen C1708350, MONDO:0007888, OMIM 150800, HP:0007437. Disease mechanism: loss of function.

Allele frequency attached by ClinVar (database versions not stated): ExAC 0.00001.
gnomAD v4.1: 1 of 1,613,926 alleles (0.000062%); highest among the groups gnomAD compares: Non-Finnish European, 0.000085%; no homozygotes.

Submissions (5):

Labcorp Genetics (formerly Invitae), Labcorp
Classification: Likely benign. Last evaluated: 2026-02-02. Review status: criteria provided, single submitter. Criteria: Invitae Variant Classification Sherloc (09022015). Collection method: clinical testing. Allele origin: germline.

CeGaT Center for Human Genetics Tuebingen
Classification: Likely benign. Last evaluated: 2025-12-01. Review status: criteria provided, single submitter. Criteria: CeGaT Center For Human Genetics Tuebingen Variant Classification Criteria Version 2. Collection method: clinical testing. Allele origin: germline. Affected: yes. Observed: 2 variant alleles.
Comment: FH: BP4, BP7

Myriad Genetics, Inc.
Classification: Benign for Hereditary leiomyomatosis and renal cell cancer. Last evaluated: 2024-10-18. Review status: criteria provided, single submitter. Criteria: Myriad Autosomal Dominant, Autosomal Recessive and X-Linked Classification Criteria (2023). Collection method: clinical testing. Allele origin: unknown.
Comment: This variant is considered benign. This variant is a silent/synonymous amino acid change and it is not expected to impact splicing.

Blueprint Genetics
Classification: Likely benign. Last evaluated: 2022-06-03. Review status: criteria provided, single submitter. Criteria: ACMG Guidelines, 2015. Collection method: clinical testing. Allele origin: germline.

Ambry Genetics
Classification: Likely benign for Hereditary cancer-predisposing syndrome. Last evaluated: 2019-05-29. Review status: criteria provided, single submitter. Criteria: Ambry Variant Classification Scheme 2023. Collection method: clinical testing. Allele origin: germline.

NM_000143.4(FH):c.678A>G (p.Ala226=)

Gene: FH (fumarate hydratase; minus strand). Cytogenetic location: 1q43.
Variant type: single nucleotide variant.
Coding change: c.678A>G on transcript NM_000143.4 (MANE Select); coding-DNA position 678, A replaced by G.
Protein change: p.Ala226=; no amino-acid change (alanine 226 retained).
Molecular consequence: synonymous variant.
Genome position (GRCh38, 1-based): chr1:241,508,663, T>C on the plus strand (A>G on the coding strand, the complement: FH is on the minus strand). VCF-style: chr1-241508663-T-C. GRCh37 (hg19) VCF-style: chr1-241671963-T-C.
Identifiers: ClinVar variation 460373 (VCV000460373.31), dbSNP rs757078832, ClinGen allele CA1478634.